The following is an entry in ClinVar:

ClinVar aggregate classification (germline): Uncertain significance (1 of 4 stars; one submission).

Conditions:
Autosomal dominant nocturnal frontal lobe epilepsy 5. Also called: CILIARY DYSKINESIA, PRIMARY, 28, WITH SITUS INVERSUS; Epilepsy, nocturnal frontal lobe, 5; CILIARY DYSKINESIA, PRIMARY, 28, WITHOUT SITUS INVERSUS; KCNT1-Related Epilepsy. Identifiers: Orphanet 98784, MedGen C3554306, MONDO:0014002, OMIM 615005.
Developmental and epileptic encephalopathy, 14 (DEE14). Also called: Early infantile epileptic encephalopathy 14. Identifiers: Orphanet 293181, MedGen C3554195, MONDO:0013989, OMIM 614959.

Submission:

Labcorp Genetics (formerly Invitae), Labcorp
Classification: Uncertain significance for Autosomal dominant nocturnal frontal lobe epilepsy 5; Developmental and epileptic encephalopathy, 14. Last evaluated: 2025-03-30. Review status: criteria provided, single submitter. Criteria: Invitae Variant Classification Sherloc (09022015). Collection method: clinical testing. Allele origin: germline.
Comment: This sequence change replaces alanine, which is neutral and non-polar, with threonine, which is neutral and polar, at codon 634 of the KCNT1 protein (p.Ala634Thr). This variant is not present in population databases (gnomAD no frequency). This variant has not been reported in the literature in individuals affected with KCNT1-related conditions. Invitae Evidence Modeling of protein sequence and biophysical properties (such as structural, functional, and spatial information, amino acid conservation, physicochemical variation, residue mobility, and thermodynamic stability) indicates that this missense variant is not expected to disrupt KCNT1 protein function with a negative predictive value of 80%. In summary, the available evidence is currently insufficient to determine the role of this variant in disease. Therefore, it has been classified as a Variant of Uncertain Significance.

NM_020822.3(KCNT1):c.1900G>A (p.Ala634Thr)

Gene: KCNT1 (potassium sodium-activated channel subfamily T member 1; plus strand). Cytogenetic location: 9q34.3.
Variant type: single nucleotide variant.
Coding change: c.1900G>A on transcript NM_020822.3 (MANE Select); coding-DNA position 1900, G replaced by A.
Protein change: p.Ala634Thr; replaces alanine 634 with threonine.
Molecular consequence: missense variant.
Genome position (GRCh38, 1-based): chr9:135,770,987, G>A. VCF-style: chr9-135770987-G-A. GRCh37 (hg19) VCF-style: chr9-138662833-G-A.
Other names: c.1765G>A, p.Ala589Thr (NM_001272003.2); short protein forms A589T, A634T.
Identifiers: ClinVar variation 4792503 (VCV004792503.1).